The following is an entry in ClinVar:

ClinVar aggregate classification (germline): Uncertain significance (1 of 4 stars; one submission).

gnomAD v4.1: 1 of 1,613,976 alleles (0.000062%); highest among the groups gnomAD compares: African/African-American, 0.0013%; no homozygotes.

Submission:

Labcorp Genetics (formerly Invitae), Labcorp
Classification: Uncertain significance. Last evaluated: 2024-02-02. Review status: criteria provided, single submitter. Criteria: Invitae Variant Classification Sherloc (09022015). Collection method: clinical testing. Allele origin: germline.
Comment: This sequence change replaces aspartic acid, which is acidic and polar, with histidine, which is basic and polar, at codon 185 of the ALPL protein (p.Asp185His). This variant is present in population databases (no rsID available, gnomAD 0.01%). This variant has not been reported in the literature in individuals affected with ALPL-related conditions. Advanced modeling of protein sequence and biophysical properties (such as structural, functional, and spatial information, amino acid conservation, physicochemical variation, residue mobility, and thermodynamic stability) performed at Invitae indicates that this missense variant is expected to disrupt ALPL protein function with a positive predictive value of 95%. In summary, the available evidence is currently insufficient to determine the role of this variant in disease. Therefore, it has been classified as a Variant of Uncertain Significance.

NM_000478.6(ALPL):c.553G>C (p.Asp185His)

Gene: ALPL (alkaline phosphatase, biomineralization associated; plus strand). Cytogenetic location: 1p36.12.
Variant type: single nucleotide variant.
Coding change: c.553G>C on transcript NM_000478.6 (MANE Select); coding-DNA position 553, G replaced by C.
Protein change: p.Asp185His; replaces aspartic acid 185 with histidine.
Molecular consequence: missense variant.
Genome position (GRCh38, 1-based): chr1:21,564,121, G>C. VCF-style: chr1-21564121-G-C. GRCh37 (hg19) VCF-style: chr1-21890614-G-C.
Other names: c.388G>C, p.Asp130His (NM_001127501.4); c.322G>C, p.Asp108His (NM_001177520.3); c.553G>C, p.Asp185His (NM_001369803.2, NM_001369804.2, NM_001369805.2); short protein forms D108H, D130H, D185H.
Identifiers: ClinVar variation 3725688 (VCV003725688.2).